The following is an entry in ClinVar:

ClinVar aggregate classification (germline): Likely benign (1 of 4 stars; one submission).

Conditions:
MITF-related disorder. Also called: MITF-related condition.

gnomAD v4.1: 1 of 1,613,718 alleles (0.000062%); highest among the groups gnomAD compares: Non-Finnish European, 0.000085%; no homozygotes.

Submission:

PreventionGenetics, part of Exact Sciences
Classification: Likely benign for MITF-related condition. Last evaluated: 2026-01-09. Review status: criteria provided, single submitter. Criteria: ACMG Guidelines, 2015. Collection method: clinical testing. Allele origin: germline.
Comment: This variant is classified as likely benign based on ACMG/AMP sequence variant interpretation guidelines (Richards et al. 2015 PMID: 25741868, with internal and published modifications).

NM_001354604.2(MITF):c.105-12790T>C

Gene: MITF (melanocyte inducing transcription factor; plus strand). Cytogenetic location: 3p13.
Variant type: single nucleotide variant.
Coding change: c.105-12790T>C on transcript NM_001354604.2 (MANE Select); 12790 bases into the intron before coding-DNA position 105, T replaced by C.
Molecular consequence: intron variant. On other transcripts: synonymous variant (1).
Genome position (GRCh38, 1-based): chr3:69,866,344, T>C. VCF-style: chr3-69866344-T-C. GRCh37 (hg19) VCF-style: chr3-69915495-T-C.
Other names: c.54T>C, p.Tyr18= (NM_198177.3); c.54-12790T>C (NM_001354607.2); c.-52-12790T>C (NM_001354608.2, NM_001184967.2); c.105-12790T>C (NM_198159.3); c.105-12793T>C (NM_001354605.2, NM_001354606.2); c.102-12790T>C (NM_006722.3).
Identifiers: ClinVar variation 4985234 (VCV004985234.1).